The following is an entry in ClinVar:

ClinVar aggregate classification (germline): Uncertain significance. Review status: criteria provided, single submitter (1 of 4 stars). 2 submissions from 2 submitters: Uncertain significance (1). 1 of the submissions does not count toward it. Last evaluated 2022-01-19.

Conditions:
Inborn genetic diseases. Identifiers: MedGen C0950123, MeSH D030342.
PRR12-related disorder. Also called: PRR12-related condition.

gnomAD v4.1: 2 of 1,551,074 alleles (0.00013%); highest among the groups gnomAD compares: Admixed American, 0.0039%; no homozygotes.

Submissions (2):

Ambry Genetics
Classification: Uncertain significance for Inborn genetic diseases. Last evaluated: 2022-01-19. Review status: criteria provided, single submitter. Criteria: Ambry Variant Classification Scheme 2023. Collection method: clinical testing. Allele origin: germline.

PreventionGenetics, part of Exact Sciences
Classification: Uncertain significance for PRR12-related condition. Last evaluated: 2024-02-12. Review status: no assertion criteria provided. Collection method: clinical testing. Allele origin: germline. Not counted in ClinVar's aggregate classification.
Comment: The PRR12 c.2768C>A variant is predicted to result in the amino acid substitution p.Ala923Glu. To our knowledge, this variant has not been reported in the literature. This variant is reported in 0.0041% of alleles in individuals of Latino descent in gnomAD. At this time, the clinical significance of this variant is uncertain due to the absence of conclusive functional and genetic evidence.

NM_020719.3(PRR12):c.2768C>A (p.Ala923Glu)

Gene: PRR12 (proline rich 12; plus strand). Cytogenetic location: 19q13.33.
Variant type: single nucleotide variant.
Coding change: c.2768C>A on transcript NM_020719.3 (MANE Select); coding-DNA position 2768, C replaced by A.
Protein change: p.Ala923Glu; replaces alanine 923 with glutamic acid.
Molecular consequence: missense variant.
Genome position (GRCh38, 1-based): chr19:49,597,103, C>A. VCF-style: chr19-49597103-C-A. GRCh37 (hg19) VCF-style: chr19-50100360-C-A.
Other names: c.2768C>A (NM_020719.2); short protein forms A923E.
Identifiers: ClinVar variation 2272215 (VCV002272215.4), dbSNP rs1219322832, ClinGen allele CA406876736.
Genomic context (GRCh38, chr19:49,597,103, plus strand): 5'-ACTCGGAGGGCAAGGATCCCGCAGGCGCCTACCGCAGCCCCAGCCCGCAAGGCACCAAGG[C>A]GCCGCGTTTCGTGCCGCTCACCTCCATCTGCTTCCCTGACTCCTTGCTCCAAGACGAGGA-3'
Protein context (NP_065770.1, residues 913-933): YRSPSPQGTK[Ala923Glu]PRFVPLTSIC